The following is an entry in ClinVar:

NM_001039213.4(CEACAM16):c.475A>G (p.Thr159Ala)

Genes: CEACAM16 (CEA cell adhesion molecule 16, tectorial membrane component; plus strand), CEACAM16-AS1 (CEACAM16, CEACAM19 and PVR antisense RNA 1; minus strand). Cytogenetic location: 19q13.32.
Variant type: single nucleotide variant.
Coding change: c.475A>G on transcript NM_001039213.4 (MANE Select); coding-DNA position 475, A replaced by G.
Protein change: p.Thr159Ala; replaces threonine 159 with alanine.
Molecular consequence: missense variant.
Genome position (GRCh38, 1-based): chr19:44,704,110, A>G. VCF-style: chr19-44704110-A-G. GRCh37 (hg19) VCF-style: chr19-45207380-A-G.
Other names: short protein forms T159A.
Identifiers: ClinVar variation 2049446 (VCV002049446.4), dbSNP rs1974399490, ClinGen allele CA406288309.
Genomic context (GRCh38, chr19:44,704,110, plus strand): 5'-AGCACAGCGCTGGTGGAACGTCGAGACACCCTGCGCCTTATGTGCAGCAGCCCCAGCCCC[A>G]CCGCCGAGGTCCGCTGGTTCTTCAACGGTGGGGCCCTGCCCGTCGCTCTCCGCCTGGGCC-3'
Protein context (NP_001034302.2, residues 149-169): LRLMCSSPSP[Thr159Ala]AEVRWFFNGG

ClinVar aggregate classification (germline): Uncertain significance (1 of 4 stars; one submission).

Allele frequency attached by ClinVar (database versions not stated): TOPMed below 0.00001.

Submission:

Labcorp Genetics (formerly Invitae), Labcorp
Classification: Uncertain significance. Last evaluated: 2022-08-27. Review status: criteria provided, single submitter. Criteria: Invitae Variant Classification Sherloc (09022015). Collection method: clinical testing. Allele origin: germline.
Comment: This sequence change replaces threonine, which is neutral and polar, with alanine, which is neutral and non-polar, at codon 159 of the CEACAM16 protein (p.Thr159Ala). This variant is not present in population databases (gnomAD no frequency). This variant has not been reported in the literature in individuals affected with CEACAM16-related conditions. Algorithms developed to predict the effect of missense changes on protein structure and function are either unavailable or do not agree on the potential impact of this missense change (SIFT: "Tolerated"; PolyPhen-2: "Possibly Damaging"; Align-GVGD: "Class C0"). In summary, the available evidence is currently insufficient to determine the role of this variant in disease. Therefore, it has been classified as a Variant of Uncertain Significance.